The following is an entry in ClinVar:

ClinVar aggregate classification (germline): Pathogenic (1 of 4 stars; one submission).

Conditions:
Hereditary cancer-predisposing syndrome. Also called: Hereditary Cancer Syndrome; Hereditary neoplastic syndrome; Neoplastic Syndromes, Hereditary; Tumor predisposition. Identifiers: Orphanet 140162, MedGen C0027672, MeSH D009386, MONDO:0015356.

Submission:

Ambry Genetics
Classification: Pathogenic for Hereditary cancer-predisposing syndrome. Last evaluated: 2020-11-05. Review status: criteria provided, single submitter. Criteria: Ambry Variant Classification Scheme 2023. Collection method: clinical testing. Allele origin: germline.
Comment: The c.1531delG pathogenic mutation, located in coding exon 17 of the RB1 gene, results from a deletion of one nucleotide at nucleotide position 1531, causing a translational frameshift with a predicted alternate stop codon (p.D511Ifs*8). This alteration is expected to result in loss of function by premature protein truncation or nonsense-mediated mRNA decay. As such, this alteration is interpreted as a disease-causing mutation.

NM_000321.3(RB1):c.1531del (p.Asp511fs)

Gene: RB1 (RB transcriptional corepressor 1; plus strand). Cytogenetic location: 13q14.2.
Variant type: Deletion.
Coding change: c.1531del on transcript NM_000321.3 (MANE Select); coding-DNA position 1531, one base deleted (G; older notation c.1531delG).
Protein change: p.Asp511fs; shifts the reading frame from aspartic acid 511.
Molecular consequence: frameshift variant.
Genome position (GRCh38, 1-based): chr13:48,381,279, G deleted. VCF-style (leftmost placement, unchanged base first): chr13-48381278-AG-A. GRCh37 (hg19) VCF-style: chr13-48955414-AG-A.
Other names: c.1531delG, p.Asp511Ilefs (NM_001407165.1, NM_001407166.1); short protein forms D511fs.
Identifiers: ClinVar variation 1774638 (VCV001774638.2), dbSNP rs2542206537, ClinGen allele CA2580087602.
Genomic context (GRCh38, chr13:48,381,278, plus strand): 5'-AAATAGTTACTTTTTTTTTTCATTTTTAGGAAGTACATCTCAGAATCTTGATTCTGGAAC[AG>A]ATTTGTCTTTCCCATGGATTCTGAATGTGCTTAATTTAAAAGCCTTTGATTTTTACAAAG-3'